The following is an entry in ClinVar:

ClinVar aggregate classification (germline): Conflicting classifications of pathogenicity. Review status: criteria provided, conflicting classifications (1 of 4 stars). 3 submissions from 3 submitters: Likely pathogenic (1); Uncertain significance (2). Last evaluated 2024-04-26.

Conditions:
Inborn genetic diseases. Identifiers: MedGen C0950123, MeSH D030342.
Sandhoff disease. Also called: GM2-GANGLIOSIDOSIS, TYPE II; Beta-hexosaminidase-beta-subunit deficiency; GM2 gangliosidosis, type 2; Total hexosaminidase deficiency; Sandhoff-Jatzkewitz-Pilz disease; HEXOSAMINIDASES A AND B DEFICIENCY. Identifiers: Orphanet 796, MedGen C0036161, MONDO:0010006, OMIM 268800.

Allele frequency attached by ClinVar (database versions not stated): TOPMed below 0.00001.
gnomAD v4.1: 2 of 1,607,568 alleles (0.00012%); no homozygotes.

Submissions (3):

Women's Health and Genetics/Laboratory Corporation of America, LabCorp
Classification: Uncertain significance. Last evaluated: 2024-04-26. Review status: criteria provided, single submitter. Criteria: LabCorp Variant Classification Summary - May 2015. Collection method: clinical testing. Allele origin: germline.
Comment: Variant summary: HEXB c.1057G>C (p.Gly353Arg) results in a non-conservative amino acid change located in the Glycoside hydrolase family 20, catalytic domain (IPR015883) of the encoded protein sequence. Five of five in-silico tools predict a damaging effect of the variant on protein function. The variant was absent in 251152 control chromosomes. The available data on variant occurrences in the general population are insufficient to allow any conclusion about variant significance. c.1057G>C has been reported in the literature in an individual affected with Sandhoff Disease (Maegawa_2009). These data do not allow any conclusion about variant significance. To our knowledge, no experimental evidence demonstrating an impact on protein function has been reported. The following publication have been ascertained in the context of this evaluation (PMID: 19595619). ClinVar contains an entry for this variant (Variation ID: 985044). Based on the evidence outlined above, the variant was classified as uncertain significance.

Labcorp Genetics (formerly Invitae), Labcorp
Classification: Uncertain significance for Sandhoff disease. Last evaluated: 2022-07-30. Review status: criteria provided, single submitter. Criteria: Invitae Variant Classification Sherloc (09022015). Collection method: clinical testing. Allele origin: germline.
Comment: Advanced modeling of protein sequence and biophysical properties (such as structural, functional, and spatial information, amino acid conservation, physicochemical variation, residue mobility, and thermodynamic stability) performed at Invitae indicates that this missense variant is expected to disrupt HEXB protein function. In summary, the available evidence is currently insufficient to determine the role of this variant in disease. Therefore, it has been classified as a Variant of Uncertain Significance. This sequence change replaces glycine, which is neutral and non-polar, with arginine, which is basic and polar, at codon 353 of the HEXB protein (p.Gly353Arg). This variant is not present in population databases (gnomAD no frequency). This variant has not been reported in the literature in individuals affected with HEXB-related conditions. ClinVar contains an entry for this variant (Variation ID: 985044).

Ambry Genetics
Classification: Likely pathogenic for Inborn genetic diseases. Last evaluated: 2019-03-06. Review status: criteria provided, single submitter. Criteria: Ambry General Variant Classification Scheme_2022. Collection method: clinical testing. Allele origin: germline. Observed: 1 variant allele.
Comment: The alteration results in an amino acid change: The c.1057G>C (p.G353R) alteration is located in coding exon 8 of the HEXB gene. This alteration results from a G to C substitution at nucleotide position 1057, causing the glycine (G) at amino acid position 353 to be replaced by an arginine (R). The alteration is not observed in population databases: Based on data from the Genome Aggregation Database (gnomAD), the HEXB c.1057G>C alteration was not observed with coverage at this location. The amino acid change has been observed in an affected individual: The p.G353R alteration was reported in a patient with clinical and biochemical features of Sandhoff disease. This patient was also found to have an intronic variant in the HEXB gene (Maegawa, 2009). The altered amino acid is conserved throughout evolution: The p.G353 amino acid is conserved in available vertebrate species. The alteration is predicted deleterious by in silico models: The p.G353R alteration is predicted to be probably damaging by Polyphen and deleterious by SIFT in silico analyses. Based on the available evidence, this alteration is classified as likely pathogenic.

Literature cited by the submitters: PubMed 19595619 (cited by Women's Health and Genetics/Laboratory Corporation of America, LabCorp and Ambry Genetics).

NM_000521.4(HEXB):c.1057G>C (p.Gly353Arg)

Gene: HEXB (hexosaminidase subunit beta; plus strand). Cytogenetic location: 5q13.3.
Variant type: single nucleotide variant.
Coding change: c.1057G>C on transcript NM_000521.4 (MANE Select); coding-DNA position 1057, G replaced by C.
Protein change: p.Gly353Arg; replaces glycine 353 with arginine.
Molecular consequence: missense variant.
Genome position (GRCh38, 1-based): chr5:74,715,665, G>C. VCF-style: chr5-74715665-G-C. GRCh37 (hg19) VCF-style: chr5-74011490-G-C.
Other names: c.382G>C, p.Gly128Arg (NM_001292004.2); short protein forms G128R, G353R.
Identifiers: ClinVar variation 985044 (VCV000985044.7), dbSNP rs1749652995, ClinGen allele CA360068860.